The following is an entry in ClinVar:

NM_005228.5(EGFR):c.389C>A (p.Thr130Asn)

Gene: EGFR (epidermal growth factor receptor; plus strand). Cytogenetic location: 7p11.2.
Variant type: single nucleotide variant.
Coding change: c.389C>A on transcript NM_005228.5 (MANE Select); coding-DNA position 389, C replaced by A.
Protein change: p.Thr130Asn; replaces threonine 130 with asparagine.
Molecular consequence: missense variant. On other transcripts: intron variant (1).
Genome position (GRCh38, 1-based): chr7:55,143,453, C>A. VCF-style: chr7-55143453-C-A. GRCh37 (hg19) VCF-style: chr7-55211146-C-A.
Other names: c.389C>A, p.Thr130Asn (NM_001346897.2, NM_001346898.2, NM_001346899.2 and 3 more transcripts); c.230C>A, p.Thr77Asn (NM_001346900.2); c.89-12377C>A (NM_001346941.2); short protein forms T77N, T130N.
Identifiers: ClinVar variation 2091997 (VCV002091997.4), dbSNP rs2128927503, ClinGen allele CA367575942.

ClinVar aggregate classification (germline): Uncertain significance (1 of 4 stars; one submission).

Conditions:
EGFR-related lung cancer (EGFR). Identifiers: MedGen CN130014.

Submission:

Labcorp Genetics (formerly Invitae), Labcorp
Classification: Uncertain significance for EGFR-related lung cancer. Last evaluated: 2022-02-02. Review status: criteria provided, single submitter. Criteria: Invitae Variant Classification Sherloc (09022015). Collection method: clinical testing. Allele origin: germline.
Comment: Algorithms developed to predict the effect of missense changes on protein structure and function are either unavailable or do not agree on the potential impact of this missense change (SIFT: "Deleterious"; PolyPhen-2: "Benign"; Align-GVGD: "Class C0"). This sequence change replaces threonine, which is neutral and polar, with asparagine, which is neutral and polar, at codon 130 of the EGFR protein (p.Thr130Asn). This variant is not present in population databases (gnomAD no frequency). This variant has not been reported in the literature in individuals affected with EGFR-related conditions. In summary, the available evidence is currently insufficient to determine the role of this variant in disease. Therefore, it has been classified as a Variant of Uncertain Significance.